The following is an entry in ClinVar:

ClinVar aggregate classification (germline): Conflicting classifications of pathogenicity. Review status: criteria provided, conflicting classifications (1 of 4 stars). 3 submissions from 3 submitters: Uncertain significance (1); Likely benign (2). Last evaluated 2026-01-25.

Conditions:
Diabetic retinopathy. Identifiers: MedGen C0011884, MONDO:0005266.
Familial thoracic aortic aneurysm and aortic dissection (TAAD). Also called: Thoracic aortic aneurysms and dissections. Identifiers: Orphanet 91387, MedGen C4707243, MONDO:0019625.
Loeys-Dietz syndrome 2 (LDS2). Also called: TGFBR2-Related Loeys-Dietz Syndrome; Marfan syndrome, type 2 (formerly); Marfan Syndrome type 2; Marfan like connective tissue disorder; MFS 2; AORTIC ANEURYSM, FAMILIAL THORACIC 3. Identifiers: Orphanet 284973, Orphanet 558, MedGen C2674574, MONDO:0012427, OMIM 610168.

Allele frequency attached by ClinVar (database versions not stated): gnomAD 0.00001; TOPMed 0.00001; gnomAD exomes 0.00002.
gnomAD v4.1: 7 of 1,613,518 alleles (0.00043%); highest among the groups gnomAD compares: Admixed American, 0.0083%; no homozygotes.

Submissions (3):

Labcorp Genetics (formerly Invitae), Labcorp
Classification: Likely benign for Familial thoracic aortic aneurysm and aortic dissection. Last evaluated: 2026-01-25. Review status: criteria provided, single submitter. Criteria: Invitae Variant Classification Sherloc (09022015). Collection method: clinical testing. Allele origin: germline.

All of Us Research Program, National Institutes of Health
Classification: Uncertain significance for Loeys-Dietz syndrome 2. Last evaluated: 2023-09-18. Review status: criteria provided, single submitter. Criteria: ACMG Guidelines, 2015. Collection method: clinical testing. Allele origin: germline. Inheritance: Autosomal dominant inheritance. Observed: 2 variant alleles, 2 heterozygotes.
Comment: This variant causes a C to G nucleotide substitution at the -10 position of intron 1 of the TGFBR2 gene. To our knowledge, functional studies have not been reported for this variant. This variant has not been reported in individuals affected with TGFBR2-related disorders in the literature. This variant has been identified in 6/281888 chromosomes in the general population by the Genome Aggregation Database (gnomAD). The available evidence is insufficient to determine the role of this variant in disease conclusively. Therefore, this variant is classified as a Variant of Uncertain Significance.

This study involves interpretation of variants in research participants for the purpose of population health screening. Participant phenotype was not available at the time of variant classification. Additional details can be found in publication PMID: 35346344, PMCID: PMC8962531

Clinical Genomics, Uppaluri K&H Personalized Medicine Clinic
Classification: Likely benign for Diabetic retinopathy. Review status: criteria provided, single submitter. Criteria: K And H Uppaluri Personalized Medicine Clinic Variant Classification And Assertion Criteria Updated V 2. Collection method: research. Allele origin: unknown.
Comment: Potent mutations in TGFBR2 gene encodes the transforming growth factor that have been associated with angiogenesis and diabetic retinopathy. More clinical studies are needed for stronger association. However, more evidence is required to confer the association of this particular variant rs952006496 with diabetic retinopathy.

Literature cited by the submitters: PubMed 30222965 (cited by Clinical Genomics, Uppaluri K&H Personalized Medicine Clinic); PubMed 28162229 (cited by Clinical Genomics, Uppaluri K&H Personalized Medicine Clinic); PubMed 34572573 (cited by Clinical Genomics, Uppaluri K&H Personalized Medicine Clinic).

NM_003242.6(TGFBR2):c.95-10C>G

Gene: TGFBR2 (transforming growth factor beta receptor 2; plus strand). Cytogenetic location: 3p24.1.
Variant type: single nucleotide variant.
Coding change: c.95-10C>G on transcript NM_003242.6 (MANE Select); 10 bases into the intron before coding-DNA position 95, C replaced by G.
Molecular consequence: intron variant.
Genome position (GRCh38, 1-based): chr3:30,644,737, C>G. VCF-style: chr3-30644737-C-G. GRCh37 (hg19) VCF-style: chr3-30686229-C-G.
Other names: c.-11-10C>G (NM_001407129.1, NM_001407132.1, NM_001407136.1 and 3 more transcripts); c.170-10C>G (NM_001407126.1, NM_001024847.3, NM_001407139.1); c.169+21464C>G (NM_001407137.1); c.95-10C>G (NM_001407127.1, NM_001407130.1); c.95-26901C>G (NM_001407138.1); c.122-10C>G (NM_001407128.1).
Identifiers: ClinVar variation 700544 (VCV000700544.13), dbSNP rs952006496, ClinGen allele CA71499870.